The following is an entry in ClinVar:

ClinVar aggregate classification (germline): Pathogenic (1 of 4 stars; one submission).

Conditions:
Gorlin syndrome. Also called: Nevoid Basal Cell Carcinoma Syndrome; Basal cell nevus syndrome. Identifiers: Orphanet 377, MedGen C0004779, MONDO:0007187.

Submission:

Labcorp Genetics (formerly Invitae), Labcorp
Classification: Pathogenic for Gorlin syndrome. Last evaluated: 2023-02-15. Review status: criteria provided, single submitter. Criteria: Invitae Variant Classification Sherloc (09022015). Collection method: clinical testing. Allele origin: germline.
Comment: For these reasons, this variant has been classified as Pathogenic. This variant has not been reported in the literature in individuals affected with PTCH1-related conditions. This variant is not present in population databases (gnomAD no frequency). This sequence change creates a premature translational stop signal (p.Leu450Profs*5) in the PTCH1 gene. It is expected to result in an absent or disrupted protein product. Loss-of-function variants in PTCH1 are known to be pathogenic (PMID: 16301862, 16419085).

Literature cited by the submitters: PubMed 16301862; PubMed 16419085.

NM_001354918.2(PTCH1):c.1347+354_1347+357del

Gene: PTCH1 (patched 1; minus strand). Cytogenetic location: 9q22.32.
Variant type: Deletion.
Coding change: c.1347+354_1347+357del on transcript NM_001354918.2; bases 354 to 357 of the intron after coding-DNA position 1347, 4 bases deleted (TCGC; older notation c.1347+354_1347+357delTCGC).
Molecular consequence: intron variant.
Genome position (GRCh38, 1-based): chr9:95,477,698-95,477,701, GCGA deleted on the plus strand (TCGC on the coding strand, the reverse complement: PTCH1 is on the minus strand); deleting any 4 consecutive bases within chr9:95,477,698-95,477,703 gives the same sequence; the c. name uses the placement nearest the transcript's 3' end. VCF-style (leftmost placement, unchanged base first): chr9-95477697-GGCGA-G. GRCh37 (hg19) VCF-style: chr9-98239979-GGCGA-G.
Identifiers: ClinVar variation 2735292 (VCV002735292.3), dbSNP rs2538206242, ClinGen allele CA2695210915.